The following is an entry in ClinVar:

NM_003743.5(NCOA1):c.1324G>A (p.Gly442Arg)

Gene: NCOA1 (nuclear receptor coactivator 1; plus strand). Cytogenetic location: 2p23.3.
Variant type: single nucleotide variant.
Coding change: c.1324G>A on transcript NM_003743.5 (MANE Select); coding-DNA position 1324, G replaced by A.
Protein change: p.Gly442Arg; replaces glycine 442 with arginine.
Molecular consequence: missense variant.
Genome position (GRCh38, 1-based): chr2:24,706,794, G>A. VCF-style: chr2-24706794-G-A. GRCh37 (hg19) VCF-style: chr2-24929663-G-A.
Other names: c.1324G>A, p.Gly442Arg (NM_001362950.1, NM_001362952.1, NM_001362954.1 and 3 more transcripts); short protein forms G442R.
Identifiers: ClinVar variation 3355823 (VCV003355823.1).

ClinVar aggregate classification (germline): Uncertain significance (0 of 4 stars; one submission).

Conditions:
NCOA1-related disorder. Also called: NCOA1-related condition.

gnomAD v4.1: 27 of 1,614,000 alleles (0.0017%); highest among the groups gnomAD compares: African/African-American, 0.0093%; no homozygotes.

Submission:

PreventionGenetics, part of Exact Sciences
Classification: Uncertain significance for NCOA1-related condition. Last evaluated: 2024-06-03. Review status: no assertion criteria provided. Collection method: clinical testing. Allele origin: germline.
Comment: The NCOA1 c.1324G>A variant is predicted to result in the amino acid substitution p.Gly442Arg. To our knowledge, this variant has not been reported in the literature. This variant is reported in 0.012% of alleles in individuals of African descent in gnomAD. At this time, the clinical significance of this variant is uncertain due to the absence of conclusive functional and genetic evidence.